The following is an entry in ClinVar:

ClinVar aggregate classification (germline): Likely pathogenic (1 of 4 stars; one submission).

Conditions:
Familial thoracic aortic aneurysm and aortic dissection (TAAD). Also called: Thoracic aortic aneurysms and dissections. Identifiers: Orphanet 91387, MedGen C4707243, MONDO:0019625.

Submission:

Ambry Genetics
Classification: Likely pathogenic for Familial thoracic aortic aneurysm and aortic dissection. Last evaluated: 2026-08-21. Review status: criteria provided, single submitter. Criteria: Ambry Variant Classification Scheme 2023. Collection method: clinical testing. Allele origin: germline.
Comment: The p.I477N variant (also known as c.1430T>A), located in coding exon 8 of the NOTCH1 gene, results from a T to A substitution at nucleotide position 1430. The isoleucine at codon 477 is replaced by asparagine, an amino acid with dissimilar properties. This variant was reported in individual(s) with features consistent with NOTCH1-related cardiovascular disorders; in at least one individual, it was determined to be de novo (Jin SC et al. Nat Genet, 2017 Nov;49:1593-1601; Zhu N et al. Genome Med, 2018 Jul;10:56; Sevim Bayrak C et al. Genome Med, 2020 Jan;12:9; Ambry internal data). This amino acid position is highly conserved in available vertebrate species. In addition, this alteration is predicted to be deleterious by in silico analysis. This variant is considered to be rare based on population cohorts in the Genome Aggregation Database (gnomAD). Based on the majority of available evidence to date, this variant is likely to be pathogenic.

Literature cited by the submitters: PubMed 28991257; PubMed 30029678; PubMed 31941532.

NM_017617.5(NOTCH1):c.1430T>A (p.Ile477Asn)

Gene: NOTCH1 (notch receptor 1; minus strand). Cytogenetic location: 9q34.3.
Variant type: single nucleotide variant.
Coding change: c.1430T>A on transcript NM_017617.5 (MANE Select); coding-DNA position 1430, T replaced by A.
Protein change: p.Ile477Asn; replaces isoleucine 477 with asparagine.
Molecular consequence: missense variant.
Genome position (GRCh38, 1-based): chr9:136,517,763, A>T on the plus strand (T>A on the coding strand, the complement: NOTCH1 is on the minus strand). VCF-style: chr9-136517763-A-T. GRCh37 (hg19) VCF-style: chr9-139412215-A-T.
Other names: short protein forms I477N.
Identifiers: ClinVar variation 985340 (VCV000985340.4), dbSNP rs1843299891, ClinGen allele CA375562824.